The following continues an entry in ClinVar:

NM_001267550.2(TTN):c.103360del (p.Glu34454fs)

ClinVar aggregate classification (germline): Pathogenic/Likely pathogenic. Pathogenic (12); Likely pathogenic (6).

Submissions 8 to 19 of 19:

Ambry Genetics
Classification: Pathogenic for Cardiovascular phenotype. Last evaluated: 2023-05-05. Review status: criteria provided, single submitter. Criteria: Ambry Variant Classification Scheme 2023. Collection method: clinical testing. Allele origin: germline.
Comment: The c.76165delG pathogenic mutation, located in coding exon 185 of the TTN gene, results from a deletion of one nucleotide at nucleotide position 76165, causing a translational frameshift with a predicted alternate stop codon (p.E25389Nfs*3).This exon is located in the M-band region of the N2-B isoform of the titin protein and is constitutively expressed in TTN transcripts (percent spliced in or PSI 100%). This alteration (referred to as c.103360delG, p.Glu34454AsnfsTer3) has been detected in the compound heterozygous state with a TTN nonsense variant located in the M-band region in three individuals with distal skeletal myopathy from a Serbian cohort, and a common ancestor was suggested (Peri S et al. Eur. J. Hum. Genet., 2017 05;25:572-581). This alteration is expected to result in loss of function by premature protein truncation or nonsense-mediated mRNA decay. While truncating variants in TTN are present in 1-3% of the general population, truncating variants in the M-band have been reported in association with autosomal recessive titinopathies, primarily presenting with skeletal myopathy phenotypes (Ceyhan-Birsoy O et al. Neurology. 2013 Oct 1;81(14):1205-14; De Cid R et al. Neurology. 2015;85(24):2126-35). In addition, regardless of their position, TTN truncating variants encoded in constitutive exons (PSI >90%) have been found to be significantly associated with dilated cardiomyopathy (DCM), though truncating variants in the A-band are the most common cause of DCM (Herman DS et al. N. Engl. J. Med., 2012 Feb;366:619-28; Roberts AM et al. Sci Transl Med, 2015 Jan;7:270ra6; Schafer S et al. Nat. Genet., 2017 01;49:46-53). Based on the majority of available evidence to date, this variant is pathogenic in association with autosomal recessive titinopathy; however, the clinical significance of this alteration with respect to cardiomyopathy remains unclear.

3billion
Classification: Pathogenic for Autosomal recessive limb-girdle muscular dystrophy type 2J. Last evaluated: 2023-02-23. Review status: criteria provided, single submitter. Criteria: ACMG Guidelines, 2015. Collection method: clinical testing. Allele origin: unknown. Affected: yes.
Comment: The variant is observed at an extremely low frequency in the gnomAD v2.1.1 dataset (total allele frequency: 0.002%). This variant was predicted to result in a loss or disruption of normal protein function through nonsense-mediated decay (NMD) or protein truncation. Multiple pathogenic variants are reported downstream of the variant. The variant has been reported at least twice as pathogenic without evidence for the classification (ClinVar ID: VCV000374145). Therefore, this variant is classified as Pathogenic according to the recommendation of ACMG/AMP guideline.

Center for Human Genetics, University of Leuven
Classification: Likely pathogenic for Primary dilated cardiomyopathy. Last evaluated: 2022-12-31. Review status: criteria provided, single submitter. Criteria: ACMG Guidelines, 2015. Collection method: clinical testing. Allele origin: germline. Affected: yes.

GeneDx
Classification: Pathogenic. Last evaluated: 2022-04-29. Review status: criteria provided, single submitter. Criteria: GeneDx Variant Classification Process June 2021. Collection method: clinical testing. Allele origin: germline. Affected: yes.
Comment: Frameshift variant predicted to result in protein truncation or nonsense mediated decay in a gene for which loss of function is a known mechanism of disease; Located in the M-line region of TTN, in which the majority of loss of function variants have been associated with autosomal recessive titinopathies (Carmignac et al., 2007); This variant is associated with the following publications: (PMID: 28295036, 32778822, 32528171, 34106991, 34540771)

Revvity Omics, Revvity
Classification: Likely pathogenic. Last evaluated: 2021-12-07. Review status: criteria provided, single submitter. Criteria: ACMG Guidelines, 2015. Collection method: clinical testing. Allele origin: germline.

AiLife Diagnostics
Classification: Pathogenic. Last evaluated: 2021-10-12. Review status: criteria provided, single submitter. Criteria: ACMG Guidelines, 2015. Collection method: clinical testing. Allele origin: germline. Affected: yes. Observed: 1 variant allele.

Centre for Mendelian Genomics, University Medical Centre Ljubljana
Classification: Pathogenic for Tibial muscular dystrophy. Last evaluated: 2019-02-20. Review status: criteria provided, single submitter. Criteria: ACMG Guidelines, 2015. Collection method: clinical testing. Allele origin: unknown. Affected: yes.
Comment: This variant was classified as: Pathogenic. The following ACMG criteria were applied in classifying this variant: PVS1,PM2,PP5.

Institute of Human Genetics, University of Leipzig Medical Center
Classification: Likely pathogenic for Hypertrophic cardiomyopathy 9. Last evaluated: 2019-01-01. Review status: criteria provided, single submitter. Criteria: ACMG Guidelines, 2015. Collection method: clinical testing. Allele origin: unknown. Affected: no.

Broad Center for Mendelian Genomics, Broad Institute of MIT and Harvard
Classification: Pathogenic for Autosomal recessive limb-girdle muscular dystrophy type 2J. Last evaluated: 2018-12-03. Review status: criteria provided, single submitter. Criteria: ACMG Guidelines, 2015. Collection method: research. Allele origin: germline. Inheritance: Autosomal recessive inheritance. Affected: yes.
Comment: The presence of this variant in combination with a pathogenic variant and in an individual with limb-girdle muscular dystrophy (LGMD) increases the likelihood that the p.Glu34454AsnfsTer3 variant is pathogenic. This variant has been identified in 0.002170% (6/276492) of chromosomes in the Genome Aggregation Database (gnomAD; dbSNP rs760768093). Although this variant has been seen in the general population, its frequency is low enough to be consistent with a recessive carrier frequency. This nonsense variant leads to a premature termination codon at position 34454, which is predicted to lead to a truncated or absent protein. Loss of function of the TTN gene is an established disease mechanism in autosomal recessive LGMD. In summary, this variant meets criteria to be classified as pathogenic forLGMD in an autosomal recessive manner based on the predicted impact of the variant and the presence of a pathogenic variant in an individual with LGMD. ACMG/AMP Criteria applied: PM2, PVS1, PM3 (Richards 2015).

Centre for Mendelian Genomics, University Medical Centre Ljubljana
Classification: Likely pathogenic for Decreased patellar reflex; Limb-girdle muscular dystrophy; Muscular dystrophy; Proximal lower limb amyotrophy; Waddling gait. Last evaluated: 2015-02-04. Review status: criteria provided, single submitter. Criteria: ACMG Guidelines, 2015. Collection method: clinical testing. Allele origin: unknown. Affected: yes.

Klaassen Lab, Charite University Medicine Berlin
Classification: Likely pathogenic for Left ventricular noncompaction cardiomyopathy. Review status: criteria provided, single submitter. Criteria: ACMG Guidelines, 2015. Collection method: research. Allele origin: germline. Affected: yes.

Mayo Clinic Laboratories, Mayo Clinic
Classification: Uncertain significance. Last evaluated: 2021-11-19. Review status: flagged submission. Criteria: ACMG Guidelines, 2015. Collection method: clinical testing. Allele origin: germline. Not counted in ClinVar's aggregate classification.
ClinVar note: Reason: Outlier claim with insufficient supporting evidence

Literature cited by the submitters: DOI 10.1101/2025.07.17.25331154 (cited by Myofin, Folkhalsan Research Center); PubMed 28295036 (cited by 4 submitters); PubMed 34540771 (cited by Labcorp Genetics (formerly Invitae), Labcorp and Klaassen Lab, Charite University Medicine Berlin); PubMed 35653365 (cited by Labcorp Genetics (formerly Invitae), Labcorp); PubMed 25589632 (cited by Labcorp Genetics (formerly Invitae), Labcorp and Victorian Clinical Genetics Services, Murdoch Childrens Research Institute); PubMed 18948003 (cited by Labcorp Genetics (formerly Invitae), Labcorp); PubMed 23975875 (cited by Labcorp Genetics (formerly Invitae), Labcorp); PubMed 24395473 (cited by Labcorp Genetics (formerly Invitae), Labcorp); PubMed 27869827 (cited by Labcorp Genetics (formerly Invitae), Labcorp); PubMed 32964742 (cited by Labcorp Genetics (formerly Invitae), Labcorp); PubMed 37178278 (cited by Victorian Clinical Genetics Services, Murdoch Childrens Research Institute); PubMed 37342443 (cited by Victorian Clinical Genetics Services, Murdoch Childrens Research Institute); PubMed 38380180 (cited by Victorian Clinical Genetics Services, Murdoch Childrens Research Institute); PubMed 32778822 (cited by 3 submitters); PubMed 34106991 (cited by AiLife Diagnostics); PubMed 32528171 (cited by AiLife Diagnostics).